The following is an entry in ClinVar:

ClinVar aggregate classification (germline): Likely benign (1 of 4 stars; one submission).

gnomAD v4.1: 5 of 1,613,522 alleles (0.00031%); highest among the groups gnomAD compares: African/African-American, 0.004%; no homozygotes.

Submission:

CeGaT Center for Human Genetics Tuebingen
Classification: Likely benign. Last evaluated: 2024-09-01. Review status: criteria provided, single submitter. Criteria: CeGaT Center For Human Genetics Tuebingen Variant Classification Criteria Version 2. Collection method: clinical testing. Allele origin: germline. Affected: yes. Observed: 1 variant allele.
Comment: HSPG2: BP4, BP7

NM_005529.7(HSPG2):c.8490C>T (p.Arg2830=)

Gene: HSPG2 (heparan sulfate proteoglycan 2; minus strand). Cytogenetic location: 1p36.12.
Variant type: single nucleotide variant.
Coding change: c.8490C>T on transcript NM_005529.7 (MANE Select); coding-DNA position 8490, C replaced by T.
Protein change: p.Arg2830=; no amino-acid change (arginine 2830 retained).
Molecular consequence: synonymous variant.
Genome position (GRCh38, 1-based): chr1:21,844,274, G>A on the plus strand (C>T on the coding strand, the complement: HSPG2 is on the minus strand). VCF-style: chr1-21844274-G-A. GRCh37 (hg19) VCF-style: chr1-22170767-G-A.
Other names: c.8493C>T, p.Arg2831= (NM_001291860.2).
Identifiers: ClinVar variation 3341848 (VCV003341848.16).
Genomic context (GRCh38, chr1:21,844,274, plus strand): 5'-CACCACGCACTTCAGATCCAGGGTCTGCCCTTCTGCCACTCGGGAGGAGGAGGGCTCGAT[G>A]CGGATGGGTGGGGCTCCACCTGGGGCTGGGGCACAGGGGAGAGGTCAGTGAGCTGAGATG-3'
Protein context (NP_005520.4, residues 2820-2840): VPAPGGAPPI[Arg2830=]IEPSSSRVAE